The following is an entry in ClinVar:

NM_001374736.1(DST):c.21733A>G (p.Ile7245Val)

Gene: DST (dystonin; minus strand). Cytogenetic location: 6p12.1.
Variant type: single nucleotide variant.
Coding change: c.21733A>G on transcript NM_001374736.1 (MANE Select); coding-DNA position 21733, A replaced by G.
Protein change: p.Ile7245Val; replaces isoleucine 7245 with valine.
Molecular consequence: missense variant.
Genome position (GRCh38, 1-based): chr6:56,476,280, T>C on the plus strand (A>G on the coding strand, the complement: DST is on the minus strand). VCF-style: chr6-56476280-T-C. GRCh37 (hg19) VCF-style: chr6-56341078-T-C.
Other names: c.15376A>G, p.Ile5126Val (NM_001144769.5); c.14962A>G, p.Ile4988Val (NM_001144770.2); c.21733A>G, p.Ile7245Val (NM_001374722.1); c.20773A>G, p.Ile6925Val (NM_001374729.1); c.14515A>G, p.Ile4839Val (NM_001374730.1); c.21760A>G, p.Ile7254Val (NM_001374734.1); c.13864A>G, p.Ile4622Val (NM_015548.5); c.14842A>G, p.Ile4948Val (NM_183380.4); short protein forms I6925V, I7254V, I4948V, I5126V, I7245V, I4622V, I4839V, I4988V.
Identifiers: ClinVar variation 970308 (VCV000970308.8), dbSNP rs2095184213, ClinGen allele CA364510479.
Genomic context (GRCh38, chr6:56,476,280, plus strand): 5'-GTGTAGTTTCAGCCCATTGCAACCAAGCCAGCAAAGCTTCCAACAATTCCTGTTTGGCAA[T>C]AAGCCCAGCCAGAGCACTTGCTAATCTCTGCTGATGTTGCTTTGCCCAGGCCAGCACCTG-3'
Protein context (NP_001361665.1, residues 7235-7255): QRLASALAGL[Ile7245Val]AKQELLEALL

ClinVar aggregate classification (germline): Uncertain significance (1 of 4 stars; one submission).

Conditions:
Epidermolysis bullosa simplex 3, localized or generalized intermediate, with BP230 deficiency (EBS3). Also called: Epidermolysis bullosa simplex, autosomal recessive 2; Epidermolysis bullosa simplex due to BP230 deficiency. Identifiers: Orphanet 412181, MedGen C3809470, MONDO:0014180, OMIM 615425.
Hereditary sensory and autonomic neuropathy type 6. Also called: Neuropathy, hereditary sensory and autonomic, type VI; HSAN VI. Identifiers: Orphanet 314381, MedGen C3539003, MONDO:0013839, OMIM 614653.

Allele frequency attached by ClinVar (database versions not stated): gnomAD exomes below 0.00001.
gnomAD v4.1: 1 of 1,608,716 alleles (0.000062%); highest among the groups gnomAD compares: Non-Finnish European, 0.000085%; no homozygotes.

Submission:

Labcorp Genetics (formerly Invitae), Labcorp
Classification: Uncertain significance for Epidermolysis bullosa simplex 3, localized or generalized intermediate, with BP230 deficiency; Hereditary sensory and autonomic neuropathy type 6. Last evaluated: 2024-05-23. Review status: criteria provided, single submitter. Criteria: Invitae Variant Classification Sherloc (09022015). Collection method: clinical testing. Allele origin: germline.
Comment: The DST gene has multiple clinically relevant transcripts. This variant occurs in alternate transcript NM_015548.4, and corresponds to c.*139237A>G in NM_001723.5 in the primary transcript. This sequence change replaces isoleucine, which is neutral and non-polar, with valine, which is neutral and non-polar, at codon 4622 of the DST protein (p.Ile4622Val). This variant is not present in population databases (gnomAD no frequency). This variant has not been reported in the literature in individuals affected with DST-related conditions. In summary, the available evidence is currently insufficient to determine the role of this variant in disease. Therefore, it has been classified as a Variant of Uncertain Significance.